The following is an entry in ClinVar:

ClinVar aggregate classification (germline): Uncertain significance (1 of 4 stars; one submission).

Conditions:
Charcot-Marie-Tooth disease axonal type 2P. Also called: CHARCOT-MARIE-TOOTH NEUROPATHY, TYPE 2P; CHARCOT-MARIE-TOOTH DISEASE, AXONAL, TYPE 2G; CMT 2G; Charcot-Marie-Tooth Neuropathy Type 2G. Identifiers: Orphanet 300319, Orphanet 99941, MedGen C3280797, MONDO:0013753, OMIM 614436.

Submission:

Labcorp Genetics (formerly Invitae), Labcorp
Classification: Uncertain significance for Charcot-Marie-Tooth disease axonal type 2P. Last evaluated: 2025-08-25. Review status: criteria provided, single submitter. Criteria: Invitae Variant Classification Sherloc (09022015). Collection method: clinical testing. Allele origin: germline.
Comment: This sequence change replaces serine, which is neutral and polar, with threonine, which is neutral and polar, at codon 420 of the LRSAM1 protein (p.Ser420Thr). This variant also falls at the last nucleotide of exon 16, which is part of the consensus splice site for this exon. This variant is not present in population databases (gnomAD no frequency). This variant has not been reported in the literature in individuals affected with LRSAM1-related conditions. An algorithm developed to predict the effect of missense changes on protein structure and function (PolyPhen-2) suggests that this variant is likely to be tolerated. Variants that disrupt the consensus splice site are a relatively common cause of aberrant splicing (PMID: 17576681, 9536098). Algorithms developed to predict the effect of sequence changes on RNA splicing suggest that this variant may disrupt the consensus splice site. In summary, the available evidence is currently insufficient to determine the role of this variant in disease. Therefore, it has been classified as a Variant of Uncertain Significance.

Literature cited by the submitters: PubMed 17576681; PubMed 9536098.

NM_001005373.4(LRSAM1):c.1259G>C (p.Ser420Thr)

Gene: LRSAM1 (leucine rich repeat and sterile alpha motif containing 1; plus strand). Cytogenetic location: 9q33.3.
Variant type: single nucleotide variant.
Coding change: c.1259G>C on transcript NM_001005373.4 (MANE Select); coding-DNA position 1259, G replaced by C.
Protein change: p.Ser420Thr; replaces serine 420 with threonine.
Molecular consequence: missense variant. On other transcripts: non-coding transcript variant (2).
Genome position (GRCh38, 1-based): chr9:127,485,835, G>C. VCF-style: chr9-127485835-G-C. GRCh37 (hg19) VCF-style: chr9-130248114-G-C.
Other names: c.1259G>C, p.Ser420Thr (NM_001005374.4, NM_001190723.3, NM_001384142.1 and 2 more transcripts); c.470G>C, p.Ser157Thr (NM_001384144.1); short protein forms S420T, S157T.
Identifiers: ClinVar variation 4773532 (VCV004773532.1).